The following is an entry in ClinVar:

ClinVar aggregate classification (germline): Pathogenic (1 of 4 stars; one submission).

Conditions:
Dentinogenesis imperfecta type 2 (DGI1). Also called: CAPDEPONT TEETH; OPALESCENT DENTIN; OPALESCENT TEETH WITHOUT OSTEOGENESIS IMPERFECTA; Dentinogenesis imperfecta without osteogenesis imperfecta; Hereditary Opalescent Dentin; Dentinogenesis imperfecta - Shield's type II. Identifiers: Orphanet 166260, MedGen C2973527, MONDO:0007441, OMIM 125490. Disease mechanism: loss of function.

Submission:

Reference Center For Rare Oral And Dental Diseases, CRMR O-Rares, Hôpitaux Universitaires De Strasbourg
Classification: Pathogenic for Dentinogenesis imperfecta type 2. Last evaluated: 2025-10-02. Review status: criteria provided, single submitter. Criteria: ACMG Guidelines, 2015. Collection method: clinical testing. Allele origin: unknown. Inheritance: Autosomal dominant inheritance. Affected: yes.
Comment: The variant c.3180del ; ACMG codes: PVS1, PM2, PP4 (5)

NM_014208.3(DSPP):c.3180del (p.Ser1060fs)

Genes: DMP1-AS1 (DMP1 and DSPP antisense RNA 1; minus strand), DSPP (dentin sialophosphoprotein; plus strand). Cytogenetic location: 4q22.1.
Variant type: Deletion.
Coding change: c.3180del on transcript NM_014208.3 (MANE Select); coding-DNA position 3180, one base deleted (C; older notation c.3180delC).
Protein change: p.Ser1060fs; shifts the reading frame from serine 1060.
Molecular consequence: frameshift variant.
Genome position (GRCh38, 1-based): chr4:87,615,842, C deleted. VCF-style (leftmost placement, unchanged base first): chr4-87615841-GC-G. GRCh37 (hg19) VCF-style: chr4-88536993-GC-G.
Other names: short protein forms S1060fs.
Identifiers: ClinVar variation 4278938 (VCV004278938.1).